The following is an entry in ClinVar:

NM_022455.5(NSD1):c.7610G>T (p.Arg2537Ile)

Gene: NSD1 (nuclear receptor binding SET domain protein 1; plus strand). Cytogenetic location: 5q35.3.
Variant type: single nucleotide variant.
Coding change: c.7610G>T on transcript NM_022455.5 (MANE Select); coding-DNA position 7610, G replaced by T.
Protein change: p.Arg2537Ile; replaces arginine 2537 with isoleucine.
Molecular consequence: missense variant.
Genome position (GRCh38, 1-based): chr5:177,294,978, G>T. VCF-style: chr5-177294978-G-T. GRCh37 (hg19) VCF-style: chr5-176721979-G-T.
Other names: c.6737G>T, p.Arg2246Ile (NM_001365684.2, NM_001409308.1, NM_172349.5); c.7610G>T, p.Arg2537Ile (NM_001409301.1, NM_001409302.1, NM_001409303.1); c.7190G>T, p.Arg2397Ile (NM_001409304.1); c.6857G>T, p.Arg2286Ile (NM_001409305.1); c.6848G>T, p.Arg2283Ile (NM_001409306.1, NM_001409307.1); c.6488G>T, p.Arg2163Ile (NM_001409309.1); short protein forms R2163I, R2246I, R2283I, R2286I, R2397I, R2537I.
Identifiers: ClinVar variation 3897323 (VCV003897323.1).

ClinVar aggregate classification (germline): Uncertain significance (1 of 4 stars; one submission).

Submission:

GeneDx
Classification: Uncertain significance. Last evaluated: 2024-10-31. Review status: criteria provided, single submitter. Criteria: GeneDx Variant Classification Process June 2021. Collection method: clinical testing. Allele origin: germline. Affected: yes.
Comment: Not observed at significant frequency in large population cohorts (gnomAD); In silico analysis indicates that this missense variant does not alter protein structure/function; Has not been previously published as pathogenic or benign to our knowledge